The following is an entry in ClinVar:

ClinVar aggregate classification (germline): Uncertain significance (1 of 4 stars; one submission).

Conditions:
FRONTOTEMPORAL LOBAR DEGENERATION WITH TDP43 INCLUSIONS, TARDBP-RELATED. Also called: Frontotemporal lobar degeneration, TARDBP-related. Identifiers: MedGen C3150169, OMIM 612069.
Amyotrophic lateral sclerosis type 10 (ALS10). Also called: AMYOTROPHIC LATERAL SCLEROSIS 10 WITHOUT FRONTOTEMPORAL DEMENTIA AND WITH TDP43 INCLUSIONS; AMYOTROPHIC LATERAL SCLEROSIS 10 WITH OR WITHOUT FRONTOTEMPORAL DEMENTIA AND WITH TDP43 INCLUSIONS; AMYOTROPHIC LATERAL SCLEROSIS 10 WITH OR WITHOUT FRONTOTEMPORAL DEMENTIA; TARDBP-Related Amyotrophic Lateral Sclerosis-Frontotemporal Dementia; Amyotrophic lateral sclerosis 10, with or without FTD. Identifiers: Orphanet 275872, Orphanet 803, MedGen C2677565, MONDO:0012790, OMIM 612069.

Submission:

Labcorp Genetics (formerly Invitae), Labcorp
Classification: Uncertain significance for Amyotrophic lateral sclerosis type 10; FRONTOTEMPORAL LOBAR DEGENERATION WITH TDP43 INCLUSIONS, TARDBP-RELATED. Last evaluated: 2024-04-29. Review status: criteria provided, single submitter. Criteria: Invitae Variant Classification Sherloc (09022015). Collection method: clinical testing. Allele origin: germline.
Comment: This sequence change replaces tyrosine, which is neutral and polar, with serine, which is neutral and polar, at codon 374 of the TARDBP protein (p.Tyr374Ser). This variant is not present in population databases (gnomAD no frequency). This variant has not been reported in the literature in individuals affected with TARDBP-related conditions. An algorithm developed to predict the effect of missense changes on protein structure and function (PolyPhen-2) suggests that this variant is likely to be tolerated. In summary, the available evidence is currently insufficient to determine the role of this variant in disease. Therefore, it has been classified as a Variant of Uncertain Significance.

NM_007375.4(TARDBP):c.1121A>C (p.Tyr374Ser)

Gene: TARDBP (TAR DNA binding protein; plus strand). Cytogenetic location: 1p36.22.
Variant type: single nucleotide variant.
Coding change: c.1121A>C on transcript NM_007375.4 (MANE Select); coding-DNA position 1121, A replaced by C.
Protein change: p.Tyr374Ser; replaces tyrosine 374 with serine.
Molecular consequence: missense variant.
Genome position (GRCh38, 1-based): chr1:11,022,530, A>C. VCF-style: chr1-11022530-A-C. GRCh37 (hg19) VCF-style: chr1-11082587-A-C.
Other names: short protein forms Y374S.
Identifiers: ClinVar variation 3761946 (VCV003761946.2).